The following is an entry in ClinVar:

ClinVar aggregate classification (germline): Benign/Likely benign. Review status: criteria provided, multiple submitters, no conflicts (2 of 4 stars). 3 submissions from 3 submitters: Benign (1); Likely benign (1). 1 of the submissions does not count toward it. Last evaluated 2025-08-16.

Conditions:
WDR1-related disorder. Also called: WDR1-related condition.

Allele frequency attached by ClinVar (database versions not stated): TOPMed 0.00015; ESP Exome Variant Server 0.00016; ExAC 0.00024; 1000 Genomes Project 30x 0.00062; 1000 Genomes Project 0.00080.
gnomAD v4.1: 93 of 1,613,172 alleles (0.0058%); highest among the groups gnomAD compares: East Asian, 0.13%; no homozygotes.

Submissions (3):

Labcorp Genetics (formerly Invitae), Labcorp
Classification: Benign. Last evaluated: 2025-08-16. Review status: criteria provided, single submitter. Criteria: Invitae Variant Classification Sherloc (09022015). Collection method: clinical testing. Allele origin: germline.

Blueprint Genetics
Classification: Likely benign. Last evaluated: 2024-08-12. Review status: criteria provided, single submitter. Criteria: ACMG Guidelines, 2015. Collection method: clinical testing. Allele origin: germline.

PreventionGenetics, part of Exact Sciences
Classification: Likely benign for WDR1-related condition. Last evaluated: 2022-03-31. Review status: no assertion criteria provided. Collection method: clinical testing. Allele origin: germline. Not counted in ClinVar's aggregate classification.
Comment: This variant is classified as likely benign based on ACMG/AMP sequence variant interpretation guidelines (Richards et al. 2015 PMID: 25741868, with internal and published modifications).

NM_017491.5(WDR1):c.513G>A (p.Ala171=)

Gene: WDR1 (WD repeat domain 1; minus strand). Cytogenetic location: 4p16.1.
Variant type: single nucleotide variant.
Coding change: c.513G>A on transcript NM_017491.5 (MANE Select); coding-DNA position 513, G replaced by A.
Protein change: p.Ala171=; no amino-acid change (alanine 171 retained).
Molecular consequence: synonymous variant. On other transcripts: intron variant (1).
Genome position (GRCh38, 1-based): chr4:10,097,756, C>T on the plus strand (G>A on the coding strand, the complement: WDR1 is on the minus strand). VCF-style: chr4-10097756-C-T. GRCh37 (hg19) VCF-style: chr4-10099380-C-T.
Other names: c.139-9015G>A (NM_005112.5); c.513G>A (NM_017491.3).
Identifiers: ClinVar variation 1597677 (VCV001597677.11), dbSNP rs191441707, ClinGen allele CA2858035.